The following is an entry in ClinVar:

ClinVar aggregate classification (germline): Likely pathogenic (1 of 4 stars; one submission).

Conditions:
Familial hypokalemia-hypomagnesemia (GTLMNS). Also called: POTASSIUM AND MAGNESIUM DEPLETION; HYPOMAGNESEMIA-HYPOKALEMIA, PRIMARY RENOTUBULAR, WITH HYPOCALCIURIA; gitelman syndrome. Identifiers: Orphanet 358, MedGen C0268450, MONDO:0009904, OMIM 263800.

Submission:

Clinical Genetics Unit, University of Padua
Classification: Likely pathogenic for Familial hypokalemia-hypomagnesemia. Last evaluated: 2025-01-01. Review status: criteria provided, single submitter. Criteria: ACMG Guidelines, 2015. Collection method: clinical testing. Allele origin: germline. Affected: yes. Observed: 1 variant allele.
Comment: This variant is not present in gnomAD (PM2); it was reported in trans with NM_000339.3:c.2119_2133delinsAG, a pathogenic variant (PM3); it is a missense variant, which is the most common loss-of-function mechanism in SLC12A3 (PP2); ortholog alignment (M. musculus, B. taurus, O. anatinus, G. gallus, D. rerio, S. purpuratus, and C. elegans) and interpretation software (Franklin) predicted a deleterious effect (PP3).

NM_001126108.2(SLC12A3):c.565A>C (p.Ile189Leu)

Gene: SLC12A3 (solute carrier family 12 member 3; plus strand). Cytogenetic location: 16q13.
Variant type: single nucleotide variant.
Coding change: c.565A>C on transcript NM_001126108.2 (MANE Select); coding-DNA position 565, A replaced by C.
Protein change: p.Ile189Leu; replaces isoleucine 189 with leucine.
Molecular consequence: missense variant.
Genome position (GRCh38, 1-based): chr16:56,869,788, A>C. VCF-style: chr16-56869788-A-C. GRCh37 (hg19) VCF-style: chr16-56903700-A-C.
Other names: NP_000330.3:p.(Ile189Leu); c.565A>C, p.Ile189Leu (NM_000339.3); c.562A>C, p.Ile188Leu (NM_001126107.2, NM_001410896.1); short protein forms I188L, I189L.
Identifiers: ClinVar variation 4813298 (VCV004813298.1).